The following is an entry in ClinVar:

NM_005630.3(SLCO2A1):c.619T>C (p.Tyr207His)

Gene: SLCO2A1 (solute carrier organic anion transporter family member 2A1; minus strand). Cytogenetic location: 3q22.1.
Variant type: single nucleotide variant.
Coding change: c.619T>C on transcript NM_005630.3 (MANE Select); coding-DNA position 619, T replaced by C.
Protein change: p.Tyr207His; replaces tyrosine 207 with histidine.
Molecular consequence: missense variant.
Genome position (GRCh38, 1-based): chr3:133,954,972, A>G on the plus strand (T>C on the coding strand, the complement: SLCO2A1 is on the minus strand). VCF-style: chr3-133954972-A-G. GRCh37 (hg19) VCF-style: chr3-133673816-A-G.
Other names: c.619T>C (NM_005630.2); short protein forms Y207H.
Identifiers: ClinVar variation 1451064 (VCV001451064.7), dbSNP rs1933844967, ClinGen allele CA354618039.

ClinVar aggregate classification (germline): Uncertain significance. Review status: criteria provided, multiple submitters, no conflicts (2 of 4 stars). 2 submissions from 2 submitters: Uncertain significance (2). Last evaluated 2024-04-20.

Conditions:
Inborn genetic diseases. Identifiers: MedGen C0950123, MeSH D030342.

Allele frequency attached by ClinVar (database versions not stated): gnomAD exomes below 0.00001.
gnomAD v4.1: 3 of 1,613,742 alleles (0.00019%); highest among the groups gnomAD compares: African/African-American, 0.0013%; no homozygotes.

Submissions (2):

Ambry Genetics
Classification: Uncertain significance for Inborn genetic diseases. Last evaluated: 2024-04-20. Review status: criteria provided, single submitter. Criteria: Ambry Variant Classification Scheme 2023. Collection method: clinical testing. Allele origin: germline.

Labcorp Genetics (formerly Invitae), Labcorp
Classification: Uncertain significance. Last evaluated: 2022-03-03. Review status: criteria provided, single submitter. Criteria: Invitae Variant Classification Sherloc (09022015). Collection method: clinical testing. Allele origin: germline.
Comment: In summary, the available evidence is currently insufficient to determine the role of this variant in disease. Therefore, it has been classified as a Variant of Uncertain Significance. Algorithms developed to predict the effect of missense changes on protein structure and function (SIFT, PolyPhen-2, Align-GVGD) all suggest that this variant is likely to be disruptive. This variant has not been reported in the literature in individuals affected with SLCO2A1-related conditions. This variant is not present in population databases (gnomAD no frequency). This sequence change replaces tyrosine, which is neutral and polar, with histidine, which is basic and polar, at codon 207 of the SLCO2A1 protein (p.Tyr207His).